The following continues an entry in ClinVar:

NM_000402.4(G6PD):c.577G>A (p.Gly193Ser)

Gene: G6PD. ClinVar aggregate classification (germline): Pathogenic/Likely pathogenic. Pathogenic (21); Likely pathogenic (1).

Submissions 22 to 25 of 25:

Lifecell International Pvt. Ltd
Classification: Pathogenic for Anemia, nonspherocytic hemolytic, due to G6PD deficiency. Review status: criteria provided, single submitter. Criteria: ACMG Guidelines, 2015. Collection method: clinical testing. Allele origin: germline. Inheritance: X-linked recessive inheritance. Affected: yes.
Comment: This variant in exon 6 of the G6PD gene results in the amino acid substitution from Glycine to Serine at codon 193 (p.Gly193Ser) with the sequence change of c.577G>A (NM_000402.4). The observed variant has a minor allele frequency of 0.00004400% in gnomAD database. The reference base is conserved across the species and in-silico predictions by Polyphen and SIFT are damaging. This is a Class II variant associated with moderate G6PD deficiency (<10% activity), with intermittent hemolysis. The G6PD c.577G>A; p.Gly193Ser variant, also referred to as c.487G>A; p.Gly163Ser. This variant has previously been reported for Glucose-6- phosphate dehydrogenase (G6PD) deficiency by (Sarker SK et al., 2016 PMID: 27880809; Li Q et al., 2015 PMID: 26226515; Narang A et al., 2020 PMID: 32906206.)

Molecular Genetics Laboratory, BC Children's and BC Women's Hospitals
Classification: Pathogenic for Anemia, nonspherocytic hemolytic, due to G6PD deficiency. Last evaluated: 2024-10-21. Review status: no assertion criteria provided. Criteria: ACMG Guidelines, 2015. Collection method: clinical testing. Allele origin: maternal. Affected: yes. Not counted in ClinVar's aggregate classification.

Genetics and Genomic Medicine Centre, NeuroGen Healthcare, NeuroGen Healthcare
Classification: Likely pathogenic. Last evaluated: 2021-04-18. Review status: no assertion criteria provided. Collection method: clinical testing. Allele origin: unknown. Affected: yes. Not counted in ClinVar's aggregate classification.

OMIM
Classification: other for G6PD MAHIDOL. Last evaluated: 2017-05-24. Review status: no assertion criteria provided. Collection method: literature only. Allele origin: germline. Not counted in ClinVar's aggregate classification.

Literature cited by the submitters: PubMed 25536053 (cited by 3 submitters); PubMed 27880809 (cited by 4 submitters); PubMed 17959407 (cited by 6 submitters); PubMed 22171972 (cited by Victorian Clinical Genetics Services, Murdoch Childrens Research Institute and Johns Hopkins Genomics, Johns Hopkins University); PubMed 32425388 (cited by Institute for Human Genetics, University Hospital Essen and Dunham Lab, University of Washington); PubMed 16607506 (cited by Institute for Human Genetics, University Hospital Essen and Dunham Lab, University of Washington); PubMed 8118045 (cited by 4 submitters); PubMed 2503817 (cited by Labcorp Genetics (formerly Invitae), Labcorp and Broad Center for Mendelian Genomics, Broad Institute of MIT and Harvard); PubMed 11499668 (cited by 3 submitters); PubMed 11793482 (cited by Labcorp Genetics (formerly Invitae), Labcorp and Dunham Lab, University of Washington); PubMed 21989994 (cited by Labcorp Genetics (formerly Invitae), Labcorp); PubMed 23926329 (cited by Labcorp Genetics (formerly Invitae), Labcorp); PubMed 26226515 (cited by Labcorp Genetics (formerly Invitae), Labcorp); PubMed 22165289 (cited by 3 submitters); PubMed 28170391 (cited by Molecular Genetics, Royal Melbourne Hospital); PubMed 35247950 (cited by Molecular Genetics, Royal Melbourne Hospital); PubMed 37415281 (cited by Molecular Genetics, Royal Melbourne Hospital); PubMed 15349799 (cited by 3 submitters); PubMed 8364584 (cited by Genetics and Molecular Pathology, SA Pathology); PubMed 30674319 (cited by Women's Health and Genetics/Laboratory Corporation of America, LabCorp); PubMed 23965028 (cited by Dunham Lab, University of Washington); PubMed 4435794 (cited by Dunham Lab, University of Washington and OMIM); PubMed 18046504 (cited by Dunham Lab, University of Washington); PubMed 15727905 (cited by Dunham Lab, University of Washington); PubMed 31863082 (cited by Dunham Lab, University of Washington); PubMed 8244337 (cited by Dunham Lab, University of Washington); PubMed 30045279 (cited by Dunham Lab, University of Washington); PubMed 4721339 (cited by Dunham Lab, University of Washington); PubMed 5081671 (cited by Dunham Lab, University of Washington); PubMed 16329560 (cited by Dunham Lab, University of Washington); PubMed 12497642 (cited by Dunham Lab, University of Washington); PubMed 16513531 (cited by Dunham Lab, University of Washington); PubMed 31489982 (cited by Dunham Lab, University of Washington); PubMed 25541721 (cited by Dunham Lab, University of Washington); PubMed 35840819 (cited by Dunham Lab, University of Washington); PubMed 1924316 (cited by OMIM); PubMed 8956035 (cited by OMIM); PubMed 1562739 (cited by OMIM); PubMed 20007901 (cited by OMIM).